The following is an entry in ClinVar:

Conditions:
Long QT syndrome 5 (LQT5). Identifiers: Orphanet 101016, Orphanet 768, MedGen C1867904, MONDO:0013372, OMIM 613695.

Submission:

Roden Lab, Vanderbilt University Medical Center
No classification provided (evidence only). Condition: Long QT syndrome 5. Review status: no classification provided. Collection method: in vitro. Allele origin: not applicable. Functional consequence: Effect on ion channel function.
ClinVar note: "not provided" was previously submitted as the classification for the variant. However, the classification appeared to be based only on an observation of functional data so it was converted to no classification on 2025-07-30.

NM_000219.6(KCNE1):c.281A>C (p.Tyr94Ser)

Gene: KCNE1 (potassium voltage-gated channel subfamily E regulatory subunit 1; minus strand). Cytogenetic location: 21q22.12.
Variant type: single nucleotide variant.
Coding change: c.281A>C on transcript NM_000219.6 (MANE Select); coding-DNA position 281, A replaced by C.
Protein change: p.Tyr94Ser; replaces tyrosine 94 with serine.
Molecular consequence: missense variant.
Genome position (GRCh38, 1-based): chr21:34,449,354, T>G on the plus strand (A>C on the coding strand, the complement: KCNE1 is on the minus strand). VCF-style: chr21-34449354-T-G. GRCh37 (hg19) VCF-style: chr21-35821652-T-G.
Other names: c.281A>C, p.Tyr94Ser (NM_001127668.4, NM_001127669.4, NM_001127670.4 and 4 more transcripts); short protein forms Y94S.
Identifiers: ClinVar variation 3374522 (VCV003374522.2).